The following is an entry in ClinVar:

ClinVar aggregate classification (germline): Uncertain significance (1 of 4 stars; one submission).

Conditions:
Charcot-Marie-Tooth disease type 2. Also called: Charcot-Marie-Tooth type 2. Identifiers: Orphanet 64746, MedGen C0270914, MONDO:0018993.

Allele frequency attached by ClinVar (database versions not stated): ExAC 0.00002; gnomAD 0.00006 and 0.00008.
gnomAD v4.1: 22 of 1,613,770 alleles (0.0014%); highest among the groups gnomAD compares: African/African-American, 0.025%; no homozygotes.

Submission:

Labcorp Genetics (formerly Invitae), Labcorp
Classification: Uncertain significance for Charcot-Marie-Tooth disease type 2. Last evaluated: 2025-06-11. Review status: criteria provided, single submitter. Criteria: Invitae Variant Classification Sherloc (09022015). Collection method: clinical testing. Allele origin: germline.
Comment: This sequence change replaces valine, which is neutral and non-polar, with alanine, which is neutral and non-polar, at codon 286 of the MFN2 protein (p.Val286Ala). This variant is present in population databases (rs765825496, gnomAD 0.03%). This variant has not been reported in the literature in individuals affected with MFN2-related conditions. ClinVar contains an entry for this variant (Variation ID: 1409657). Invitae Evidence Modeling of protein sequence and biophysical properties (such as structural, functional, and spatial information, amino acid conservation, physicochemical variation, residue mobility, and thermodynamic stability) has been performed for this missense variant. However, the output from this modeling did not meet the statistical confidence thresholds required to predict the impact of this variant on MFN2 protein function. In summary, the available evidence is currently insufficient to determine the role of this variant in disease. Therefore, it has been classified as a Variant of Uncertain Significance.

NM_014874.4(MFN2):c.857T>C (p.Val286Ala)

Gene: MFN2 (mitofusin 2; plus strand). Cytogenetic location: 1p36.22.
Variant type: single nucleotide variant.
Coding change: c.857T>C on transcript NM_014874.4 (MANE Select); coding-DNA position 857, T replaced by C.
Protein change: p.Val286Ala; replaces valine 286 with alanine.
Molecular consequence: missense variant.
Genome position (GRCh38, 1-based): chr1:12,001,441, T>C. VCF-style: chr1-12001441-T-C. GRCh37 (hg19) VCF-style: chr1-12061498-T-C.
Other names: c.857T>C, p.Val286Ala (NM_001127660.2); short protein forms V286A.
Identifiers: ClinVar variation 1409657 (VCV001409657.8), dbSNP rs765825496, ClinGen allele CA598953.